The following is an entry in ClinVar:

NM_005530.3(IDH3A):c.274A>C (p.Lys92Gln)

Gene: IDH3A (isocitrate dehydrogenase (NAD(+)) 3 catalytic subunit alpha; plus strand). Cytogenetic location: 15q25.1.
Variant type: single nucleotide variant.
Coding change: c.274A>C on transcript NM_005530.3 (MANE Select); coding-DNA position 274, A replaced by C.
Protein change: p.Lys92Gln; replaces lysine 92 with glutamine.
Molecular consequence: missense variant.
Genome position (GRCh38, 1-based): chr15:78,160,191, A>C. VCF-style: chr15-78160191-A-C. GRCh37 (hg19) VCF-style: chr15-78452533-A-C.
Other names: short protein forms K92Q.
Identifiers: ClinVar variation 862709 (VCV000862709.9), dbSNP rs2074667204, ClinGen allele CA393541742.

ClinVar aggregate classification (germline): Uncertain significance (1 of 4 stars; one submission).

Allele frequency attached by ClinVar (database versions not stated): gnomAD exomes below 0.00001.
gnomAD v4.1: 1 of 1,598,948 alleles (0.000063%); highest among the groups gnomAD compares: South Asian, 0.0011%; no homozygotes.

Submission:

Labcorp Genetics (formerly Invitae), Labcorp
Classification: Uncertain significance. Last evaluated: 2022-03-10. Review status: criteria provided, single submitter. Criteria: Invitae Variant Classification Sherloc (09022015). Collection method: clinical testing. Allele origin: germline.
Comment: This sequence change replaces lysine, which is basic and polar, with glutamine, which is neutral and polar, at codon 92 of the IDH3A protein (p.Lys92Gln). This variant is not present in population databases (gnomAD no frequency). This variant has not been reported in the literature in individuals affected with IDH3A-related conditions. ClinVar contains an entry for this variant (Variation ID: 862709). Algorithms developed to predict the effect of missense changes on protein structure and function are either unavailable or do not agree on the potential impact of this missense change (SIFT: "Tolerated"; PolyPhen-2: "Possibly Damaging"; Align-GVGD: "Class C0"). In summary, the available evidence is currently insufficient to determine the role of this variant in disease. Therefore, it has been classified as a Variant of Uncertain Significance.